The following is an entry in ClinVar:

NM_005068.3(SIM1):c.2052T>A (p.Pro684=)

Gene: SIM1 (SIM bHLH transcription factor 1; minus strand). Cytogenetic location: 6q16.3.
Variant type: single nucleotide variant.
Coding change: c.2052T>A on transcript NM_005068.3 (MANE Select); coding-DNA position 2052, T replaced by A.
Protein change: p.Pro684=; no amino-acid change (proline 684 retained).
Molecular consequence: synonymous variant.
Genome position (GRCh38, 1-based): chr6:100,390,610, A>T on the plus strand (T>A on the coding strand, the complement: SIM1 is on the minus strand). VCF-style: chr6-100390610-A-T. GRCh37 (hg19) VCF-style: chr6-100838486-A-T.
Other names: c.2052T>A, p.Pro684= (NM_001374769.1).
Identifiers: ClinVar variation 4980764 (VCV004980764.1).

ClinVar aggregate classification (germline): Likely benign (1 of 4 stars; one submission).

Conditions:
SIM1-related disorder. Also called: SIM1-related disorders; SIM1-related condition.

gnomAD v4.1: 24 of 1,614,082 alleles (0.0015%); highest among the groups gnomAD compares: Non-Finnish European, 0.002%; no homozygotes.

Submission:

PreventionGenetics, part of Exact Sciences
Classification: Likely benign for SIM1-related condition. Last evaluated: 2026-03-25. Review status: criteria provided, single submitter. Criteria: ACMG Guidelines, 2015. Collection method: clinical testing. Allele origin: germline.
Comment: This variant is classified as likely benign based on ACMG/AMP sequence variant interpretation guidelines (Richards et al. 2015 PMID: 25741868, with internal and published modifications).